The following is an entry in ClinVar:

ClinVar aggregate classification (germline): Likely benign (1 of 4 stars; one submission).

Allele frequency attached by ClinVar (database versions not stated): gnomAD 0.00001; TOPMed 0.00002.
gnomAD v4.1: 12 of 1,550,118 alleles (0.00077%); highest among the groups gnomAD compares: African/African-American, 0.0041%; no homozygotes.

Submission:

CeGaT Center for Human Genetics Tuebingen
Classification: Likely benign. Last evaluated: 2023-01-01. Review status: criteria provided, single submitter. Criteria: CeGaT Center For Human Genetics Tuebingen Variant Classification Criteria Version 2. Collection method: clinical testing. Allele origin: germline. Affected: yes. Observed: 1 variant allele.
Comment: PIEZO1: BP4, BP7

NM_001142864.4(PIEZO1):c.1992C>T (p.Asp664=)

Genes: PIEZO1 (piezo type mechanosensitive ion channel component 1 (Er blood group); minus strand), HSALR1 (HSP90AB1 associated lncRNA 1; plus strand). Cytogenetic location: 16q24.3.
Variant type: single nucleotide variant.
Coding change: c.1992C>T on transcript NM_001142864.4 (MANE Select); coding-DNA position 1992, C replaced by T.
Protein change: p.Asp664=; no amino-acid change (aspartic acid 664 retained).
Molecular consequence: synonymous variant.
Genome position (GRCh38, 1-based): chr16:88,734,655, G>A on the plus strand (C>T on the coding strand, the complement: PIEZO1 is on the minus strand). VCF-style: chr16-88734655-G-A. GRCh37 (hg19) VCF-style: chr16-88801063-G-A.
Other names: c.537C>T, p.Asp179= (NM_014745.1).
Identifiers: ClinVar variation 2647001 (VCV002647001.24), dbSNP rs1052343085, ClinGen allele CA286424473.
Genomic context (GRCh38, chr16:88,734,655, plus strand): 5'-GGGGAAGTGCACGGGGTTTCGGCGCCCCTGCCCCACCGCCCCAGCCTGGACTCACTGCTC[G>A]TCGGTGAAGCCAGTGAGGTTGCGCCAGTAGGCAGGGAAGTCCTGGAACTGGAAGGTGTAG-3'
Protein context (NP_001136336.2, residues 654-674): AYWRNLTGFT[Asp664=]EQLGDLGLEQ